The following is an entry in ClinVar:

ClinVar aggregate classification (germline): Pathogenic/Likely pathogenic. Review status: criteria provided, multiple submitters, no conflicts (2 of 4 stars). 11 submissions from 11 submitters: Pathogenic (8); Likely pathogenic (1). 2 of the submissions do not count toward it. Last evaluated 2025-09-29.

Conditions:
Genitopatellar syndrome (GTPTS). Also called: Genitopatellar syndrome (GPS); ABSENT PATELLAE, SCROTAL HYPOPLASIA, RENAL ANOMALIES, FACIAL DYSMORPHISM, AND MENTAL RETARDATION. Identifiers: Orphanet 85201, MedGen C1853566, MONDO:0011640, OMIM 606170.
Epilepsy, familial temporal lobe, 1. Identifiers: Orphanet 101046, MedGen CN030884, MONDO:0700090, OMIM 600512.
KAT6B-related disorder. Also called: KAT6B-related disorders; KAT6B-related condition.
Inborn genetic diseases. Identifiers: MedGen C0950123, MeSH D030342.
Blepharophimosis - intellectual disability syndrome, SBBYS type (SBBYSS). Also called: Say-Barber-Biesecker variant of Ohdo syndrome (SBBYSS); Say-Barber-Biesecker-Young-Simpson variant of Ohdo Syndrome; Young Simpson syndrome; Mental retardation unusual facies hypothyroidism; Ohdo syndrome, SBBYS variant; SBBYSS syndrome. Identifiers: Orphanet 3047, MedGen C1863557, MONDO:0011365, OMIM 603736.

Submissions (11):

Labcorp Genetics (formerly Invitae), Labcorp
Classification: Pathogenic for Genitopatellar syndrome. Last evaluated: 2025-09-29. Review status: criteria provided, single submitter. Criteria: Invitae Variant Classification Sherloc (09022015). Collection method: clinical testing. Allele origin: germline.
Comment: This sequence change creates a premature translational stop signal (p.Ser1402Cysfs*5) in the KAT6B gene. While this is not anticipated to result in nonsense mediated decay, it is expected to disrupt the last 672 amino acid(s) of the KAT6B protein. This variant is not present in population databases (gnomAD no frequency). This premature translational stop signal has been observed in individual(s) with genitopatellar syndrome or Say-Barber-Biesecker-Young-Simpson syndrome and KAT6B-related conditions (PMID: 22077973, 25424711, 28696035; internal data). In at least one individual the variant was observed to be de novo. For these reasons, this variant has been classified as Pathogenic.

HudsonAlpha Institute for Biotechnology
Classification: Pathogenic for Genitopatellar syndrome; Blepharophimosis - intellectual disability syndrome, SBBYS type. Last evaluated: 2025-02-28. Review status: criteria provided, single submitter. Criteria: ACMG Guidelines, 2015. Collection method: research. Allele origin: de novo. Affected: yes. Observed: 1 variant allele. Study: CSER-SouthSeq.

Broad Center for Mendelian Genomics, Broad Institute of MIT and Harvard
Classification: Pathogenic for Genitopatellar syndrome. Last evaluated: 2023-01-25. Review status: criteria provided, single submitter. Criteria: ACMG Guidelines, 2015. Collection method: curation. Allele origin: germline. Inheritance: Autosomal dominant inheritance.
Comment: Trio exome analysis showed this variant to be de novo. This variant was found to be de novo in 6 individuals with confirmed paternity and maternity (PMID: 28696035, PMID: 22077973, PMID: 25424711, SCV001150140.1, SCV001364303.1). This variant is assumed de novo in 2 individuals, but maternity and paternity have not been confirmed (PMID: 25424711, PMID: 22077973). The number of reported affected individuals with this variant is greater than expected compared to non-affected individuals with this variant. This variant has also been reported in ClinVar (Variation ID: 39001) and has been interpreted as pathogenic by multiple submitters. This variant was absent from large population studies. This variant is predicted to cause a frameshift, which alters the protein‚Äôs amino acid sequence beginning at position 1402 and leads to a premature termination codon 5 amino acids downstream. This termination codon occurs within the terminal 50 bases of the last exon and is more likely to escape nonsense mediated decay (NMD) and result in a truncated protein. Heterozygous loss of function of the KAT6B gene is an established disease mechanism in autosomal dominant genitopatellar syndrome. In summary, this variant meets criteria to be classified as pathogenic for autosomal dominant genitopatellar syndrome. ACMG/AMP Criteria applied: PVS1_Strong, PS2_VeryStrong, PS4, PM2_Supporting (Richards 2015).

Institute of Medical Genetics and Applied Genomics, University Hospital Tübingen
Classification: Pathogenic for Epilepsy, familial temporal lobe, 1; Genitopatellar syndrome. Last evaluated: 2022-04-04. Review status: criteria provided, single submitter. Criteria: ACMG Guidelines, 2015. Collection method: clinical testing. Allele origin: germline. Inheritance: Autosomal dominant inheritance. Affected: yes.

Blueprint Genetics
Classification: Pathogenic for KAT6B-related disorders. Last evaluated: 2020-04-08. Review status: criteria provided, single submitter. Criteria: ACMG Guidelines, 2015. Collection method: clinical testing. Allele origin: germline. Affected: yes. Observed: 1 variant allele.

GeneDx
Classification: Pathogenic. Last evaluated: 2019-10-30. Review status: criteria provided, single submitter. Criteria: GeneDx Variant Classification Process June 2021. Collection method: clinical testing. Allele origin: germline. Affected: yes.
Comment: Frameshift variant in the C-terminus predicted to result in protein truncation, as the last 672 amino acids are lost and replaced with 4 incorrect amino acids (Stenson et al., 2014); Not observed in large population cohorts (Lek et al., 2016); This variant is associated with the following publications: (PMID: 22077973, 28696035)

Institute of Human Genetics Munich, TUM University Hospital
Classification: Pathogenic for Genitopatellar syndrome. Last evaluated: 2019-08-19. Review status: criteria provided, single submitter. Criteria: Classification criteria August 2017. Collection method: clinical testing. Allele origin: de novo. Inheritance: Autosomal dominant inheritance. Affected: yes. Observed: 1 heterozygote.

Ambry Genetics
Classification: Pathogenic for Inborn genetic diseases. Last evaluated: 2016-04-01. Review status: criteria provided, single submitter. Criteria: Ambry exome assertion method (8-5-2015). Collection method: clinical testing. Allele origin: germline. Affected: yes. Observed: 1 variant allele.

Juno Genomics, Hangzhou Juno Genomics, Inc
Classification: Likely pathogenic for Genitopatellar syndrome; Blepharophimosis - intellectual disability syndrome, SBBYS type. Review status: criteria provided, single submitter. Criteria: ACMG Guidelines, 2015. Collection method: clinical testing. Allele origin: germline.
Comment: Absent from controls (or at extremely low frequency if recessive) in Genome Aggregation Database.;Null variant in a gene where loss of function (LOF) is a known mechanism of disease.;De novo (both maternity and paternity confirmed) in a patient with the disease and no family history.;Patient's phenotype or family history is highly specific for a disease with a single genetic etiology.

GeneReviews
No classification provided. Condition: Blepharophimosis - intellectual disability syndrome, SBBYS type. Review status: no classification provided. Collection method: literature only. Allele origin: germline. Not counted in ClinVar's aggregate classification.

Lee Lab(KAT6B), Baylor College of Medicine
No classification provided. Review status: no classification provided. Collection method: not provided. Allele origin: unknown. Not counted in ClinVar's aggregate classification.

Literature cited by the submitters: PubMed 22077973 (cited by Labcorp Genetics (formerly Invitae), Labcorp and GeneReviews); PubMed 25424711 (cited by Labcorp Genetics (formerly Invitae), Labcorp and GeneReviews); PubMed 28696035 (cited by Labcorp Genetics (formerly Invitae), Labcorp); PubMed 23236640 (cited by GeneReviews).

NM_012330.4(KAT6B):c.4205_4206del (p.Ser1402fs)

Gene: KAT6B (lysine acetyltransferase 6B; plus strand). Cytogenetic location: 10q22.2.
Variant type: Microsatellite.
Coding change: c.4205_4206del on transcript NM_012330.4 (MANE Select); coding-DNA positions 4205 to 4206, 2 bases deleted (CT; older notation c.4205_4206delCT).
Protein change: p.Ser1402fs; shifts the reading frame from serine 1402.
Molecular consequence: frameshift variant.
Genome position (GRCh38, 1-based): chr10:75,029,029-75,029,030, CT deleted; deleting any 2 consecutive bases within chr10:75,029,027-75,029,030 gives the same sequence; the c. name uses the placement nearest the transcript's 3' end. VCF-style (leftmost placement, unchanged base first): chr10-75029026-ACT-A. GRCh37 (hg19) VCF-style: chr10-76788784-ACT-A.
Other names: NM_012330.4(KAT6B):c.4205_4206del; p.Ser1402fs; c.4205_4206delCT (NM_012330.2); c.3140_3141del, p.Ser1047fs (NM_001370144.1, NM_001370143.1); c.3656_3657del, p.Ser1219fs (NM_001256468.2, NM_001370138.1); c.3329_3330del, p.Ser1110fs (NM_001256469.2, NM_001370139.1, NM_001370140.1 and 2 more transcripts); c.3167_3168del, p.Ser1056fs (NM_001370132.1); c.2516_2517del, p.Ser839fs (NM_001370133.1); and 3 more; short protein forms S1047fs, S1056fs, S1402fs, S707fs, S1219fs, S1110fs, S621fs, S839fs.
Identifiers: ClinVar variation 39001 (VCV000039001.23), dbSNP rs199470477, ClinGen allele CA232611.
Genomic context (GRCh38, chr10:75,029,026, plus strand): 5'-ATCCAGATGGTGCTAAAAGCCAAGAAAAAGAGGAACCAGAAATCTCCACGGAAAAAGAAG[ACT>A]CTGCACGTTTGGATGATCACGAAGAGGAGGAGGAAGAGGATGAAGAGCCATCCCACAACG-3'